The following is an entry in ClinVar:

ClinVar aggregate classification (germline): Uncertain significance (1 of 4 stars; one submission).

Allele frequency attached by ClinVar (database versions not stated): gnomAD exomes below 0.00001.
gnomAD v4.1: 1 of 1,612,850 alleles (0.000062%); highest among the groups gnomAD compares: South Asian, 0.0011%; no homozygotes.

Submission:

Genetic Services Laboratory, University of Chicago
Classification: Uncertain significance. Last evaluated: 2020-04-20. Review status: criteria provided, single submitter. Criteria: ACMG Guidelines, 2015. Collection method: clinical testing. Allele origin: germline. Affected: no.
Comment: DNA sequence analysis of the WRN gene demonstrated a sequence change, c.4175T>C, in exon 34 that results in an amino acid change, p.Val1392Ala. This sequence change does not appear to have been previously described in patients with WRN-related disorders and has also not been described in population databases (gnomAD, ExAC). The p.Val1392Ala change affects a moderately conserved amino acid residue located in a domain of the WRN protein that is not known to be functional. The p.Val1392Ala substitution appears to be benign using several in-silico pathogenicity prediction tools (SIFT, PolyPhen2, Align GVGD, REVEL). Due to these contrasting evidences and the lack of functional studies, the clinical significance of the p.Val1392Ala change remains unknown at this time.

NM_000553.6(WRN):c.4175T>C (p.Val1392Ala)

Gene: WRN (WRN RecQ like helicase; plus strand). Cytogenetic location: 8p12.
Variant type: single nucleotide variant.
Coding change: c.4175T>C on transcript NM_000553.6 (MANE Select); coding-DNA position 4175, T replaced by C.
Protein change: p.Val1392Ala; replaces valine 1392 with alanine.
Molecular consequence: missense variant.
Genome position (GRCh38, 1-based): chr8:31,167,214, T>C. VCF-style: chr8-31167214-T-C. GRCh37 (hg19) VCF-style: chr8-31024730-T-C.
Other names: short protein forms V1392A.
Identifiers: ClinVar variation 1337624 (VCV001337624.4), dbSNP rs2130515437, ClinGen allele CA370910054.